The following is an entry in ClinVar:

ClinVar aggregate classification (germline): Pathogenic. Review status: criteria provided, multiple submitters, no conflicts (2 of 4 stars). 2 submissions from 2 submitters: Pathogenic (2). Last evaluated 2024-04-16.

Conditions:
Glucocorticoid deficiency with achalasia (AAAS). Also called: AAA syndrome; Allgrove syndrome; Addisonian achalasia syndrome; ALACRIMA-ACHALASIA-ADRENAL INSUFFICIENCY NEUROLOGIC DISORDER; Achalasia-Addisonianism-Alacrima (Triple-A) Syndrome; Achalasia-addisonianism-alacrimia syndrome. Identifiers: Orphanet 869, MedGen C0271742, MONDO:0009279, OMIM 231550.

Submissions (2):

Fulgent Genetics
Classification: Pathogenic for Glucocorticoid deficiency with achalasia. Last evaluated: 2024-04-16. Review status: criteria provided, single submitter. Criteria: ACMG Guidelines, 2015. Collection method: clinical testing. Allele origin: germline.

Women's Health and Genetics/Laboratory Corporation of America, LabCorp
Classification: Pathogenic for Glucocorticoid deficiency with achalasia. Last evaluated: 2024-04-02. Review status: criteria provided, single submitter. Criteria: LabCorp Variant Classification Summary - May 2015. Collection method: clinical testing. Allele origin: germline.
Comment: Variant summary: AAAS c.446+1G>A is located in a canonical splice-site and is predicted to affect mRNA splicing resulting in a significantly altered protein due to either exon skipping, shortening, or inclusion of intronic material. Several computational tools predict a significant impact on normal splicing: Four predict the variant abolishes a canonical 5' splicing donor site. However, these predictions have yet to be confirmed by functional studies. The variant was absent in 251432 control chromosomes (gnomAD). c.446+1G>A has been reported in the literature in individuals affected with Glucocorticoid Deficiency With Achalasia (Ismail_2006). These data indicate that the variant is likely to be associated with disease. No submitters have cited clinical-significance assessments for this variant to ClinVar. Based on the evidence outlined above, the variant was classified as pathogenic.

Literature cited by the submitters: PubMed 16938764 (cited by Women's Health and Genetics/Laboratory Corporation of America, LabCorp).

NM_015665.6(AAAS):c.446+1G>A

Gene: AAAS (aladin WD repeat nucleoporin; minus strand). Cytogenetic location: 12q13.13.
Variant type: single nucleotide variant.
Coding change: c.446+1G>A on transcript NM_015665.6 (MANE Select); the canonical splice donor site of the intron after coding-DNA position 446, G replaced by A.
Molecular consequence: splice donor variant.
Genome position (GRCh38, 1-based): chr12:53,315,093, C>T on the plus strand (G>A on the coding strand, the complement: AAAS is on the minus strand). VCF-style: chr12-53315093-C-T. GRCh37 (hg19) VCF-style: chr12-53708877-C-T.
Other names: c.446+1G>A (NM_001173466.2).
Identifiers: ClinVar variation 3251594 (VCV003251594.2), dbSNP rs2136811371.
Genomic context (GRCh38, chr12:53,315,093, plus strand): 5'-CAAAGGGAGTTTTGAGGTTCAGGACTTCCTTTCCACAAAGCTCCAGGGCTTGTGCACTCA[C>T]CAATTTGTGACTTGGGCAAATTCAGCGATCAGATCTTCGCTCCTGAGCTGTAAGAACAAG-3'